The following is an entry in ClinVar:

NM_000057.4(BLM):c.335T>C (p.Leu112Ser)

Gene: BLM (BLM RecQ like helicase; plus strand). Cytogenetic location: 15q26.1.
Variant type: single nucleotide variant.
Coding change: c.335T>C on transcript NM_000057.4 (MANE Select); coding-DNA position 335, T replaced by C.
Protein change: p.Leu112Ser; replaces leucine 112 with serine.
Molecular consequence: missense variant. On other transcripts: 5 prime UTR variant (1).
Genome position (GRCh38, 1-based): chr15:90,749,603, T>C. VCF-style: chr15-90749603-T-C. GRCh37 (hg19) VCF-style: chr15-91292833-T-C.
Other names: c.335T>C (NM_000057.2); c.335T>C, p.Leu112Ser (NM_001287246.2, NM_001287247.2); c.-957T>C (NM_001287248.2); short protein forms L112S.
Identifiers: ClinVar variation 647429 (VCV000647429.16), dbSNP rs1038386076, ClinGen allele CA274727916.

ClinVar aggregate classification (germline): Conflicting classifications of pathogenicity. Review status: criteria provided, conflicting classifications (1 of 4 stars). 4 submissions from 4 submitters: Uncertain significance (2); Likely benign (1). 1 of the submissions does not count toward it. Last evaluated 2025-09-30.

Conditions:
Hereditary cancer-predisposing syndrome. Also called: Hereditary Cancer Syndrome; Tumor predisposition; Hereditary neoplastic syndrome; Neoplastic Syndromes, Hereditary. Identifiers: Orphanet 140162, MedGen C0027672, MeSH D009386, MONDO:0015356.
Bloom syndrome (BLM). Also called: Bloom-Torre-Machacek syndrome. Identifiers: Orphanet 125, MedGen C0005859, MONDO:0008876, OMIM 210900.

gnomAD v4.1: 2 of 1,614,188 alleles (0.00012%); highest among the groups gnomAD compares: Admixed American, 0.0033%; no homozygotes.

Submissions (4):

Labcorp Genetics (formerly Invitae), Labcorp
Classification: Uncertain significance for Bloom syndrome. Last evaluated: 2025-09-30. Review status: criteria provided, single submitter. Criteria: Invitae Variant Classification Sherloc (09022015). Collection method: clinical testing. Allele origin: germline.
Comment: This sequence change replaces leucine, which is neutral and non-polar, with serine, which is neutral and polar, at codon 112 of the BLM protein (p.Leu112Ser). This variant is not present in population databases (gnomAD no frequency). This variant has not been reported in the literature in individuals affected with BLM-related conditions. ClinVar contains an entry for this variant (Variation ID: 647429). An algorithm developed to predict the effect of missense changes on protein structure and function outputs the following: PolyPhen-2: "Benign". The serine amino acid residue is found in multiple mammalian species, which suggests that this missense change does not adversely affect protein function. In summary, the available evidence is currently insufficient to determine the role of this variant in disease. Therefore, it has been classified as a Variant of Uncertain Significance.

Quest Diagnostics Nichols Institute San Juan Capistrano
Classification: Uncertain significance. Last evaluated: 2025-06-02. Review status: criteria provided, single submitter. Criteria: Quest Diagnostics criteria. Collection method: clinical testing. Allele origin: unknown.
Comment: The BLM c.335T>C (p.Leu112Ser) variant has not been reported in individuals with BLM-related conditions in the published literature. It also has not been reported in large, multi-ethnic general populations (Genome Aggregation Database). Analysis of this variant using bioinformatics tools for the prediction of the effect of amino acid changes on protein structure and function yielded predictions that this variant is benign. Based on the available information, we are unable to determine the clinical significance of this variant.

Ambry Genetics
Classification: Likely benign for Hereditary cancer-predisposing syndrome. Last evaluated: 2021-10-29. Review status: criteria provided, single submitter. Criteria: Ambry Variant Classification Scheme 2023. Collection method: clinical testing. Allele origin: germline.

Natera, Inc.
Classification: Uncertain significance for Bloom syndrome. Last evaluated: 2020-09-16. Review status: no assertion criteria provided. Collection method: clinical testing. Allele origin: germline. Not counted in ClinVar's aggregate classification.